The following is an entry in ClinVar:

ClinVar aggregate classification (germline): Uncertain significance (1 of 4 stars; one submission).

Conditions:
Tuberous sclerosis 2 (TSC2). Identifiers: Orphanet 805, MedGen C1860707, MONDO:0013199, OMIM 613254.

Submission:

Labcorp Genetics (formerly Invitae), Labcorp
Classification: Uncertain significance for Tuberous sclerosis 2. Last evaluated: 2020-07-07. Review status: criteria provided, single submitter. Criteria: Invitae Variant Classification Sherloc (09022015). Collection method: clinical testing. Allele origin: germline.
Comment: In summary, the available evidence is currently insufficient to determine the role of this variant in disease. Therefore, it has been classified as a Variant of Uncertain Significance. Algorithms developed to predict the effect of missense changes on protein structure and function are either unavailable or do not agree on the potential impact of this missense change (SIFT: "Deleterious"; PolyPhen-2: "Probably Damaging"; Align-GVGD: "Class C0"). This variant has not been reported in the literature in individuals with TSC2-related conditions. This variant is not present in population databases (ExAC no frequency). This sequence change replaces valine with methionine at codon 868 of the TSC2 protein (p.Val868Met). The valine residue is highly conserved and there is a small physicochemical difference between valine and methionine.

NM_000548.5(TSC2):c.2602G>A (p.Val868Met)

Gene: TSC2 (TSC complex subunit 2; plus strand). Cytogenetic location: 16p13.3.
Variant type: single nucleotide variant.
Coding change: c.2602G>A on transcript NM_000548.5 (MANE Select); coding-DNA position 2602, G replaced by A.
Protein change: p.Val868Met; replaces valine 868 with methionine.
Molecular consequence: missense variant.
Genome position (GRCh38, 1-based): chr16:2,075,855, G>A. VCF-style: chr16-2075855-G-A. GRCh37 (hg19) VCF-style: chr16-2125856-G-A.
Other names: c.2602G>A, p.Val868Met (NM_001077183.3, NM_001114382.3, NM_001363528.2 and 3 more transcripts); c.2491G>A, p.Val831Met (NM_001318827.2); c.2455G>A, p.Val819Met (NM_001318829.2); c.2002G>A, p.Val668Met (NM_001318831.2); c.2635G>A, p.Val879Met (NM_001318832.2); short protein forms V668M, V879M, V819M, V831M, V868M.
Identifiers: ClinVar variation 934024 (VCV000934024.9), dbSNP rs2089267679, ClinGen allele CA394278414.